The following is an entry in ClinVar:

NM_014391.3(ANKRD1):c.863C>T (p.Pro288Leu)

Gene: ANKRD1 (ankyrin repeat domain 1; minus strand). Cytogenetic location: 10q23.31.
Variant type: single nucleotide variant.
Coding change: c.863C>T on transcript NM_014391.3 (MANE Select); coding-DNA position 863, C replaced by T.
Protein change: p.Pro288Leu; replaces proline 288 with leucine.
Molecular consequence: missense variant.
Genome position (GRCh38, 1-based): chr10:90,912,963, G>A on the plus strand (C>T on the coding strand, the complement: ANKRD1 is on the minus strand). VCF-style: chr10-90912963-G-A. GRCh37 (hg19) VCF-style: chr10-92672720-G-A.
Other names: short protein forms P288L.
Identifiers: ClinVar variation 1411520 (VCV001411520.8), dbSNP rs1482577739, ClinGen allele CA377547961.

ClinVar aggregate classification (germline): Uncertain significance. Review status: criteria provided, multiple submitters, no conflicts (2 of 4 stars). 2 submissions from 2 submitters: Uncertain significance (2). Last evaluated 2023-12-04.

Conditions:
Cardiovascular phenotype. Identifiers: MedGen CN230736.
ANKRD1-related dilated cardiomyopathy. Identifiers: MedGen CN119551.

Allele frequency attached by ClinVar (database versions not stated): gnomAD exomes below 0.00001; gnomAD 0.00001; TOPMed 0.00001.

Submissions (2):

Labcorp Genetics (formerly Invitae), Labcorp
Classification: Uncertain significance for ANKRD1-related dilated cardiomyopathy. Last evaluated: 2023-12-04. Review status: criteria provided, single submitter. Criteria: Invitae Variant Classification Sherloc (09022015). Collection method: clinical testing. Allele origin: germline.
Comment: This sequence change replaces proline, which is neutral and non-polar, with leucine, which is neutral and non-polar, at codon 288 of the ANKRD1 protein (p.Pro288Leu). This variant is not present in population databases (gnomAD no frequency). This variant has not been reported in the literature in individuals affected with ANKRD1-related conditions. ClinVar contains an entry for this variant (Variation ID: 1411520). Advanced modeling of protein sequence and biophysical properties (such as structural, functional, and spatial information, amino acid conservation, physicochemical variation, residue mobility, and thermodynamic stability) has been performed at Invitae for this missense variant, however the output from this modeling did not meet the statistical confidence thresholds required to predict the impact of this variant on ANKRD1 protein function. In summary, the available evidence is currently insufficient to determine the role of this variant in disease. Therefore, it has been classified as a Variant of Uncertain Significance.

Ambry Genetics
Classification: Uncertain significance for Cardiovascular phenotype. Last evaluated: 2021-02-23. Review status: criteria provided, single submitter. Criteria: Ambry Variant Classification Scheme 2023. Collection method: clinical testing. Allele origin: germline.
Comment: The p.P288L variant (also known as c.863C>T), located in coding exon 9 of the ANKRD1 gene, results from a C to T substitution at nucleotide position 863. The proline at codon 288 is replaced by leucine, an amino acid with similar properties. This amino acid position is highly conserved in available vertebrate species. In addition, this alteration is predicted to be deleterious by in silico analysis. Since supporting evidence is limited at this time, the clinical significance of this alteration remains unclear.